The following is an entry in ClinVar:

ClinVar aggregate classification (germline): Uncertain significance. Review status: criteria provided, multiple submitters, no conflicts (2 of 4 stars). 13 submissions from 13 submitters: Uncertain significance (12). 1 of the submissions does not count toward it. Last evaluated 2026-10-01.

Conditions:
Ovarian cancer. Also called: OVARIAN CANCER, SOMATIC. Identifiers: Orphanet 213500, MedGen C1140680, MONDO:0008170, OMIM 167000.
Fanconi anemia complementation group J. Also called: BRIP1-Related Fanconi Anemia. Identifiers: Orphanet 84, MedGen C1836860, MONDO:0012187, OMIM 609054.
BRIP1-related disorder. Also called: BRIP1-related condition; BRIP1-related disorders. Identifiers: MedGen CN239206.
Hereditary cancer-predisposing syndrome. Also called: Neoplastic Syndromes, Hereditary; Tumor predisposition; Hereditary neoplastic syndrome; Hereditary Cancer Syndrome. Identifiers: Orphanet 140162, MedGen C0027672, MeSH D009386, MONDO:0015356.
Familial cancer of breast. Also called: Hereditary breast cancer; hereditary breast carcinoma; BREAST CANCER, FAMILIAL. Identifiers: Orphanet 227535, MedGen C0346153, MONDO:0016419, OMIM 114480. Disease mechanism: loss of function.

Allele frequency attached by ClinVar (database versions not stated): ExAC 0.00002; gnomAD exomes 0.00002 and 0.00005; TOPMed 0.00003; gnomAD 0.00004; ESP Exome Variant Server 0.00008.
gnomAD v4.1: 90 of 1,613,944 alleles (0.0056%); highest among the groups gnomAD compares: Non-Finnish European, 0.0069%; no homozygotes.

Submissions (13):

St. Jude Molecular Pathology, St. Jude Children's Research Hospital
Classification: Uncertain significance for Familial cancer of breast. Last evaluated: 2026-10-01. Review status: criteria provided, single submitter. Criteria: St. Jude Assertion Criteria 2020. Collection method: clinical testing. Allele origin: germline.
Comment: The BRIP1 c.1655T>C p.(Ile552Thr) missense change has a maximum subpopulation frequency of 0.004% in gnomAD v2.1.1 (e.org/). The in silico tool REVEL is inconclusive about a pathogenic or benign effect of this variant on protein function, and to our knowledge functional studies have not been performed. This variant has been reported in an individual with ovarian cance r (PMID: 26315354). In summary, the evidence currently available is insufficient to determine the clinical significance of this variant. It has therefore been classified as of uncertain significance.

Labcorp Genetics (formerly Invitae), Labcorp
Classification: Uncertain significance for Familial cancer of breast; Fanconi anemia complementation group J. Last evaluated: 2026-01-08. Review status: criteria provided, single submitter. Criteria: Invitae Variant Classification Sherloc (09022015). Collection method: clinical testing. Allele origin: germline.
Comment: This sequence change replaces isoleucine, which is neutral and non-polar, with threonine, which is neutral and polar, at codon 552 of the BRIP1 protein (p.Ile552Thr). This variant is present in population databases (rs369340666, gnomAD 0.004%). This missense change has been observed in individual(s) with Lynch syndrome-associated cancer and/or colorectal polyps, ovarian cancer, and breast cancer (PMID: 25980754, 26315354, 26921362, 28135145, 34326862). ClinVar contains an entry for this variant (Variation ID: 142965). Invitae Evidence Modeling of protein sequence and biophysical properties (such as structural, functional, and spatial information, amino acid conservation, physicochemical variation, residue mobility, and thermodynamic stability) has been performed for this missense variant. However, the output from this modeling did not meet the statistical confidence thresholds required to predict the impact of this variant on BRIP1 protein function. In summary, the available evidence is currently insufficient to determine the role of this variant in disease. Therefore, it has been classified as a Variant of Uncertain Significance.

PreventionGenetics, part of Exact Sciences
Classification: Uncertain significance for BRIP1-related condition. Last evaluated: 2026-01-07. Review status: criteria provided, single submitter. Criteria: ACMG Guidelines, 2015. Collection method: clinical testing. Allele origin: germline.
Comment: The BRIP1 c.1655T>C variant is predicted to result in the amino acid substitution p.Ile552Thr. This variant has been reported in individuals with ovarian cancer (Ramus et al. 2015. PubMed ID: 26315354; Yurgelun et al. 2017. PubMed ID: 28135145), with Lynch syndrome-associated cancer and/or colorectal polyps (Supplemental Table 1 in Yurgelun et al. 2015. PubMed ID: 25980754; Supplementary Data 12 in Lu et al. 2015. PubMed ID: 26689913), with colorectal cancer (in Table A4 in Yurgelun et al. 2017. PubMed ID: 28135145), and with breast cancer (Supplemental Table 1 in Easton et al. 2016. PubMed ID: 26921362). This variant is reported in 0.0040% of alleles in individuals of African descent in gnomAD and classified as a variant of uncertain significance in ClinVar (Variation ID: 142965). At this time, the clinical significance of this variant is uncertain due to the absence of conclusive functional and genetic evidence.

Ambry Genetics
Classification: Uncertain significance for Hereditary cancer-predisposing syndrome. Last evaluated: 2025-03-21. Review status: criteria provided, single submitter. Criteria: Ambry Variant Classification Scheme 2023. Collection method: clinical testing. Allele origin: germline.
Comment: The p.I552T variant (also known as c.1655T>C), located in coding exon 11 of the BRIP1 gene, results from a T to C substitution at nucleotide position 1655. The isoleucine at codon 552 is replaced by threonine, an amino acid with similar properties. In one study, this alteration was observed in 1/3236 cases with invasive epithelial ovarian cancer and 0/3431 controls (Ramus SJ et al. J. Natl. Cancer Inst. 2015 Nov; 107(11)). This amino acid position is not well conserved in available vertebrate species. In addition, the in silico prediction for this alteration is inconclusive. Since supporting evidence is limited at this time, the clinical significance of this alteration remains unclear.

Women's Health and Genetics/Laboratory Corporation of America, LabCorp
Classification: Uncertain significance. Last evaluated: 2024-12-26. Review status: criteria provided, single submitter. Criteria: LabCorp Variant Classification Summary - May 2015. Collection method: clinical testing. Allele origin: germline.
Comment: Variant summary: BRIP1 c.1655T>C (p.Ile552Thr) results in a non-conservative amino acid change in the encoded protein sequence. Three of five in-silico tools predict a damaging effect of the variant on protein function. The variant allele was found at a frequency of 1.6e-05 in 251298 control chromosomes. The available data on variant occurrences in the general population are insufficient to allow any conclusion about variant significance. c.1655T>C has been reported in the literature but has not been specified in any individuals affected with Fanconi Anemia Complementation Group J (Ramus_2015). These report(s) do not provide unequivocal conclusions about association of the variant with Fanconi Anemia Complementation Group J. To our knowledge, no experimental evidence demonstrating an impact on protein function has been reported. The following publication have been ascertained in the context of this evaluation (PMID: 26315354). ClinVar contains an entry for this variant (Variation ID: 142965). Based on the evidence outlined above, the variant was classified as uncertain significance.

GeneDx
Classification: Uncertain significance. Last evaluated: 2024-12-06. Review status: criteria provided, single submitter. Criteria: GeneDx Variant Classification Process June 2021. Collection method: clinical testing. Allele origin: germline. Affected: yes.
Comment: Not observed at significant frequency in large population cohorts (gnomAD); In silico analysis supports that this missense variant has a deleterious effect on protein structure/function; Observed in individuals with breast, ovarian, or colorectal cancer (PMID: 26315354, 26921362, 28135145, 34326862); This variant is associated with the following publications: (PMID: 26315354, 25980754, 26921362, 26689913, 28135145, 34326862, 38136308)

Color Diagnostics, LLC DBA Color Health
Classification: Uncertain significance for Hereditary cancer-predisposing syndrome. Last evaluated: 2024-09-16. Review status: criteria provided, single submitter. Criteria: ACMG Guidelines, 2015. Collection method: clinical testing. Allele origin: germline.
Comment: This missense variant replaces isoleucine with threonine at codon 552 of the BRIP1 protein. Computational prediction is inconclusive regarding the impact of this variant on protein structure and function. To our knowledge, functional studies have not been reported for this variant. This variant has been reported in individuals affected with ovarian, breast, uterine and colorectal cancer (PMID: 25980754, 26315354, 26689913, 26921362, 28135145, 38136308), as well as in an unaffected individual (PMID: 26921362). This variant has been identified in 5/282702 chromosomes in the general population by the Genome Aggregation Database (gnomAD). The available evidence is insufficient to determine the role of this variant in disease conclusively. Therefore, this variant is classified as a Variant of Uncertain Significance.

Blueprint Genetics
Classification: Uncertain significance. Last evaluated: 2024-06-19. Review status: criteria provided, single submitter. Criteria: ACMG Guidelines, 2015. Collection method: clinical testing. Allele origin: germline.

Baylor Genetics
Classification: Uncertain significance for Familial cancer of breast. Last evaluated: 2024-03-12. Review status: criteria provided, single submitter. Criteria: ACMG Guidelines, 2015. Collection method: clinical testing. Allele origin: unknown.

Department of Pathology and Laboratory Medicine, Sinai Health System
Classification: Uncertain significance for Familial cancer of breast. Last evaluated: 2023-05-18. Review status: criteria provided, single submitter. Criteria: ACMG Guidelines, 2015. Collection method: clinical testing. Allele origin: germline. Affected: yes.

Myriad Genetics, Inc.
Classification: Uncertain significance for Familial cancer of breast. Last evaluated: 2023-02-28. Review status: criteria provided, single submitter. Criteria: Myriad Autosomal Dominant, Autosomal Recessive and X-Linked Classification Criteria (2023). Collection method: clinical testing. Allele origin: unknown.
Comment: This variant is classified as a variant of uncertain significance as there is insufficient evidence to determine its impact on protein function and/or cancer risk.

Quest Diagnostics Nichols Institute San Juan Capistrano
Classification: Uncertain significance. Last evaluated: 2020-06-25. Review status: criteria provided, single submitter. Criteria: Quest Diagnostics criteria. Collection method: clinical testing. Allele origin: unknown.

Counsyl
Classification: Uncertain significance for Fanconi anemia complementation group J; Ovarian cancer. Last evaluated: 2017-06-05. Review status: no assertion criteria provided. Collection method: clinical testing. Allele origin: unknown. Not counted in ClinVar's aggregate classification.

Literature cited by the submitters: PubMed 25980754 (cited by 5 submitters); PubMed 26315354 (cited by 7 submitters); PubMed 26921362 (cited by 5 submitters); PubMed 28135145 (cited by 3 submitters); PubMed 34326862 (cited by Labcorp Genetics (formerly Invitae), Labcorp); PubMed 26689913 (cited by 4 submitters); PubMed 38136308 (cited by Color Diagnostics, LLC DBA Color Health).

NM_032043.3(BRIP1):c.1655T>C (p.Ile552Thr)

Gene: BRIP1 (BRCA1 interacting DNA helicase 1; minus strand). Cytogenetic location: 17q23.2.
Variant type: single nucleotide variant.
Coding change: c.1655T>C on transcript NM_032043.3 (MANE Select); coding-DNA position 1655, T replaced by C.
Protein change: p.Ile552Thr; replaces isoleucine 552 with threonine.
Molecular consequence: missense variant.
Genome position (GRCh38, 1-based): chr17:61,780,979, A>G on the plus strand (T>C on the coding strand, the complement: BRIP1 is on the minus strand). VCF-style: chr17-61780979-A-G. GRCh37 (hg19) VCF-style: chr17-59858340-A-G.
Other names: short protein forms I552T.
Identifiers: ClinVar variation 142965 (VCV000142965.42), dbSNP rs369340666, ClinGen allele CA169885.